The following is an entry in ClinVar:

ClinVar aggregate classification (germline): Likely benign (0 of 4 stars; one submission).

Conditions:
EPPK1-related disorder. Also called: EPPK1-related condition.

Allele frequency attached by ClinVar (database versions not stated): 1000 Genomes Project 30x 0.00094; 1000 Genomes Project 0.00100; ESP Exome Variant Server 0.00158.
gnomAD v4.1: 3,569 of 1,611,154 alleles (0.22%); highest among the groups gnomAD compares: Middle Eastern, 0.28%; 5 homozygotes.

Submission:

PreventionGenetics, part of Exact Sciences
Classification: Likely benign for EPPK1-related condition. Last evaluated: 2021-04-22. Review status: no assertion criteria provided. Collection method: clinical testing. Allele origin: germline.
Comment: This variant is classified as likely benign based on ACMG/AMP sequence variant interpretation guidelines (Richards et al. 2015 PMID: 25741868, with internal and published modifications).

NM_031308.4(EPPK1):c.1479G>C (p.Thr493=)

Gene: EPPK1 (epiplakin 1; minus strand). Cytogenetic location: 8q24.3.
Variant type: single nucleotide variant.
Coding change: c.1479G>C on transcript NM_031308.4 (MANE Select); coding-DNA position 1479, G replaced by C.
Protein change: p.Thr493=; no amino-acid change (threonine 493 retained).
Molecular consequence: synonymous variant.
Genome position (GRCh38, 1-based): chr8:143,871,775, C>G on the plus strand (G>C on the coding strand, the complement: EPPK1 is on the minus strand). VCF-style: chr8-143871775-C-G. GRCh37 (hg19) VCF-style: chr8-144945943-C-G.
Identifiers: ClinVar variation 3045901 (VCV003045901.2), dbSNP rs189814391, ClinGen allele CA4923345.